The following is an entry in ClinVar:

ClinVar aggregate classification (germline): Uncertain significance (1 of 4 stars; one submission).

Conditions:
Hereditary nonpolyposis colorectal neoplasms. Identifiers: MedGen C0009405, MeSH D003123.

Submission:

Labcorp Genetics (formerly Invitae), Labcorp
Classification: Uncertain significance for Hereditary nonpolyposis colorectal neoplasms. Last evaluated: 2025-11-05. Review status: criteria provided, single submitter. Criteria: Invitae Variant Classification Sherloc (09022015). Collection method: clinical testing. Allele origin: germline.
Comment: This sequence change replaces serine, which is neutral and polar, with arginine, which is basic and polar, at codon 457 of the PMS2 protein (p.Ser457Arg). This variant is not present in population databases (gnomAD no frequency). This variant has not been reported in the literature in individuals affected with PMS2-related conditions. ClinVar contains an entry for this variant (Variation ID: 3664592). Invitae Evidence Modeling incorporating data from in vitro experimental studies (internal data) indicates that this missense variant is not expected to disrupt PMS2 function with a negative predictive value of 95%. In summary, the available evidence is currently insufficient to determine the role of this variant in disease. Therefore, it has been classified as a Variant of Uncertain Significance.

NM_000535.7(PMS2):c.1371C>G (p.Ser457Arg)

Gene: PMS2 (PMS1 homolog 2, mismatch repair system component; minus strand). Cytogenetic location: 7p22.1.
Variant type: single nucleotide variant.
Coding change: c.1371C>G on transcript NM_000535.7 (MANE Select); coding-DNA position 1371, C replaced by G.
Protein change: p.Ser457Arg; replaces serine 457 with arginine.
Molecular consequence: missense variant. On other transcripts: non-coding transcript variant (1), intron variant (1).
Genome position (GRCh38, 1-based): chr7:5,987,394, G>C on the plus strand (C>G on the coding strand, the complement: PMS2 is on the minus strand). VCF-style: chr7-5987394-G-C. GRCh37 (hg19) VCF-style: chr7-6027025-G-C.
Other names: c.600C>G, p.Ser200Arg (NM_001406911.1); c.804-4403C>G (NM_001406912.1); c.966C>G, p.Ser322Arg (NM_001322003.2, NM_001406908.1, NM_001406910.1 and 16 more transcripts); c.810C>G, p.Ser270Arg (NM_001406906.1, NM_001406907.1, NM_001322010.2); c.798C>G, p.Ser266Arg (NM_001406909.1, NM_001322013.2); c.1215C>G, p.Ser405Arg (NM_001322006.2, NM_001406870.1); c.1053C>G, p.Ser351Arg (NM_001322007.2, NM_001322008.2, NM_001406876.1 and 2 more transcripts); c.438C>G, p.Ser146Arg (NM_001322011.2, NM_001322012.2); and 13 more; short protein forms S200R, S286R, S351R, S457R, S519R, S299R, S302R, S354R.
Identifiers: ClinVar variation 3664592 (VCV003664592.2).